The following is an entry in ClinVar:

ClinVar aggregate classification (germline): Likely benign. Review status: criteria provided, multiple submitters, no conflicts (2 of 4 stars). 3 submissions from 3 submitters: Likely benign (2). 1 of the submissions does not count toward it. Last evaluated 2025-05-12.

Conditions:
EFTUD2-related disorder. Also called: EFTUD2-related condition.

Allele frequency attached by ClinVar (database versions not stated): TOPMed 0.00005; ExAC 0.00007; gnomAD 0.00007; 1000 Genomes Project 30x 0.00047; 1000 Genomes Project 0.00060.
gnomAD v4.1: 52 of 1,613,078 alleles (0.0032%); highest among the groups gnomAD compares: East Asian, 0.011%; no homozygotes.

Submissions (3):

Labcorp Genetics (formerly Invitae), Labcorp
Classification: Likely benign. Last evaluated: 2025-05-12. Review status: criteria provided, single submitter. Criteria: Invitae Variant Classification Sherloc (09022015). Collection method: clinical testing. Allele origin: germline.

Blueprint Genetics
Classification: Likely benign. Last evaluated: 2023-09-11. Review status: criteria provided, single submitter. Criteria: ACMG Guidelines, 2015. Collection method: clinical testing. Allele origin: germline.

PreventionGenetics, part of Exact Sciences
Classification: Likely benign for EFTUD2-related condition. Last evaluated: 2019-04-24. Review status: no assertion criteria provided. Collection method: clinical testing. Allele origin: germline. Not counted in ClinVar's aggregate classification.
Comment: This variant is classified as likely benign based on ACMG/AMP sequence variant interpretation guidelines (Richards et al. 2015 PMID: 25741868, with internal and published modifications).

NM_004247.4(EFTUD2):c.2260-4A>G

Gene: EFTUD2 (elongation factor Tu GTP binding domain containing 2; minus strand). Cytogenetic location: 17q21.31.
Variant type: single nucleotide variant.
Coding change: c.2260-4A>G on transcript NM_004247.4 (MANE Select); 4 bases into the intron before coding-DNA position 2260, A replaced by G.
Molecular consequence: intron variant.
Genome position (GRCh38, 1-based): chr17:44,854,360, T>C on the plus strand (A>G on the coding strand, the complement: EFTUD2 is on the minus strand). VCF-style: chr17-44854360-T-C. GRCh37 (hg19) VCF-style: chr17-42931728-T-C.
Other names: c.2155-4A>G (NM_001142605.2); c.2230-4A>G (NM_001258354.2); c.2260-4A>G (NM_001258353.2, NM_004247.3).
Identifiers: ClinVar variation 2902020 (VCV002902020.6), dbSNP rs561273946, ClinGen allele CA8607522.